The following is an entry in ClinVar:

NM_001174147.2(LMX1B):c.688C>A (p.Gln230Lys)

Gene: LMX1B (LIM homeobox transcription factor 1 beta; plus strand). Cytogenetic location: 9q33.3.
Variant type: single nucleotide variant.
Coding change: c.688C>A on transcript NM_001174147.2 (MANE Select); coding-DNA position 688, C replaced by A.
Protein change: p.Gln230Lys; replaces glutamine 230 with lysine.
Molecular consequence: missense variant.
Genome position (GRCh38, 1-based): chr9:126,693,270, C>A. VCF-style: chr9-126693270-C-A. GRCh37 (hg19) VCF-style: chr9-129455549-C-A.
Other names: c.688C>A, p.Gln230Lys (NM_001174146.2, NM_002316.4); short protein forms Q230K.
Identifiers: ClinVar variation 1515069 (VCV001515069.6), dbSNP rs2118991973, ClinGen allele CA374913540.

ClinVar aggregate classification (germline): Likely pathogenic (1 of 4 stars; one submission).

Submission:

Labcorp Genetics (formerly Invitae), Labcorp
Classification: Likely pathogenic. Last evaluated: 2021-09-14. Review status: criteria provided, single submitter. Criteria: Invitae Variant Classification Sherloc (09022015). Collection method: clinical testing. Allele origin: germline.
Comment: This sequence change replaces glutamine with lysine at codon 230 of the LMX1B protein (p.Gln230Lys). The glutamine residue is highly conserved and there is a small physicochemical difference between glutamine and lysine. This variant is not present in population databases (ExAC no frequency). This missense change has been observed in individual(s) with clinical features of nail-patella syndrome (Invitae). In at least one individual the variant was observed to be de novo. Algorithms developed to predict the effect of missense changes on protein structure and function (SIFT, PolyPhen-2, Align-GVGD) all suggest that this variant is likely to be disruptive. In summary, the currently available evidence indicates that the variant is pathogenic, but additional data are needed to prove that conclusively. Therefore, this variant has been classified as Likely Pathogenic.